The following is an entry in ClinVar:

NM_015662.3(IFT172):c.4095C>G (p.Ile1365Met)

Gene: IFT172 (intraflagellar transport 172; minus strand). Cytogenetic location: 2p23.3.
Variant type: single nucleotide variant.
Coding change: c.4095C>G on transcript NM_015662.3 (MANE Select); coding-DNA position 4095, C replaced by G.
Protein change: p.Ile1365Met; replaces isoleucine 1365 with methionine.
Molecular consequence: missense variant.
Genome position (GRCh38, 1-based): chr2:27,449,756, G>C on the plus strand (C>G on the coding strand, the complement: IFT172 is on the minus strand). VCF-style: chr2-27449756-G-C. GRCh37 (hg19) VCF-style: chr2-27672623-G-C.
Other names: c.4029C>G, p.Ile1343Met (NM_001410739.1); short protein forms I1365M, I1343M.
Identifiers: ClinVar variation 4982282 (VCV004982282.1).

ClinVar aggregate classification (germline): Uncertain significance (1 of 4 stars; one submission).

Conditions:
IFT172-related disorder. Also called: IFT172-related disorders; IFT172-related condition.

Submission:

PreventionGenetics, part of Exact Sciences
Classification: Uncertain significance for IFT172-related condition. Last evaluated: 2026-01-04. Review status: criteria provided, single submitter. Criteria: ACMG Guidelines, 2015. Collection method: clinical testing. Allele origin: germline.
Comment: The IFT172 c.4095C>G variant is predicted to result in the amino acid substitution p.Ile1365Met. To our knowledge, this variant has not been reported in the literature or in a large population database (gnomAD), indicating this variant is rare. At this time, the clinical significance of this variant is uncertain due to the absence of conclusive functional and genetic evidence.